The following is an entry in ClinVar:

NM_004859.4(CLTC):c.4688G>A (p.Arg1563Lys)

Gene: CLTC (clathrin heavy chain; plus strand). Cytogenetic location: 17q23.1.
Variant type: single nucleotide variant.
Coding change: c.4688G>A on transcript NM_004859.4 (MANE Select); coding-DNA position 4688, G replaced by A.
Protein change: p.Arg1563Lys; replaces arginine 1563 with lysine.
Molecular consequence: missense variant.
Genome position (GRCh38, 1-based): chr17:59,685,669, G>A. VCF-style: chr17-59685669-G-A. GRCh37 (hg19) VCF-style: chr17-57763030-G-A.
Other names: c.4700G>A, p.Arg1567Lys (NM_001288653.2); short protein forms R1563K, R1567K.
Identifiers: ClinVar variation 1899715 (VCV001899715.5), dbSNP rs764198483, ClinGen allele CA8681788.
Genomic context (GRCh38, chr17:59,685,669, plus strand): 5'-AATCTAAAGATACTGAATTGGCTGAAGAACTCCTGCAGTGGTTTTTGCAGGAAGAAAAAA[G>A]AGAGTGCTTTGGAGCTTGTCTGTTTACCTGTTACGATCTTTTAAGGCCAGATGTCGTCCT-3'
Protein context (NP_004850.1, residues 1553-1573): LLQWFLQEEK[Arg1563Lys]ECFGACLFTC

ClinVar aggregate classification (germline): Uncertain significance (1 of 4 stars; one submission).

Allele frequency attached by ClinVar (database versions not stated): gnomAD exomes below 0.00001; ExAC 0.00002.
gnomAD v4.1: 8 of 1,614,126 alleles (0.0005%); highest among the groups gnomAD compares: Admixed American, 0.0083%; no homozygotes.

Submission:

Labcorp Genetics (formerly Invitae), Labcorp
Classification: Uncertain significance. Last evaluated: 2024-08-13. Review status: criteria provided, single submitter. Criteria: Invitae Variant Classification Sherloc (09022015). Collection method: clinical testing. Allele origin: germline.
Comment: This sequence change replaces arginine, which is basic and polar, with lysine, which is basic and polar, at codon 1567 of the CLTC protein (p.Arg1567Lys). This variant is present in population databases (rs764198483, gnomAD 0.01%). This variant has not been reported in the literature in individuals affected with CLTC-related conditions. ClinVar contains an entry for this variant (Variation ID: 1899715). Advanced modeling of protein sequence and biophysical properties (such as structural, functional, and spatial information, amino acid conservation, physicochemical variation, residue mobility, and thermodynamic stability) performed at Invitae indicates that this missense variant is not expected to disrupt CLTC protein function with a negative predictive value of 80%. In summary, the available evidence is currently insufficient to determine the role of this variant in disease. Therefore, it has been classified as a Variant of Uncertain Significance.